The following is an entry in ClinVar:

NM_000138.5(FBN1):c.2429A>G (p.Glu810Gly)

Gene: FBN1 (fibrillin 1; minus strand). Cytogenetic location: 15q21.1.
Variant type: single nucleotide variant.
Coding change: c.2429A>G on transcript NM_000138.5 (MANE Select); coding-DNA position 2429, A replaced by G.
Protein change: p.Glu810Gly; replaces glutamic acid 810 with glycine.
Molecular consequence: missense variant.
Genome position (GRCh38, 1-based): chr15:48,495,579, T>C on the plus strand (A>G on the coding strand, the complement: FBN1 is on the minus strand). VCF-style: chr15-48495579-T-C. GRCh37 (hg19) VCF-style: chr15-48787776-T-C.
Other names: c.2429A>G, p.Glu810Gly (NM_001406716.1); short protein forms E810G.
Identifiers: ClinVar variation 3230410 (VCV003230410.1), dbSNP rs2505572136, ClinGen allele CA392334849.

ClinVar aggregate classification (germline): Uncertain significance (1 of 4 stars; one submission).

Conditions:
Familial thoracic aortic aneurysm and aortic dissection (TAAD). Also called: Thoracic aortic aneurysms and dissections. Identifiers: Orphanet 91387, MedGen C4707243, MONDO:0019625.

Submission:

Ambry Genetics
Classification: Uncertain significance for Familial thoracic aortic aneurysm and aortic dissection. Last evaluated: 2023-11-22. Review status: criteria provided, single submitter. Criteria: Ambry Variant Classification Scheme 2023. Collection method: clinical testing. Allele origin: germline.
Comment: The p.E810G variant (also known as c.2429A>G), located in coding exon 20 of the FBN1 gene, results from an A to G substitution at nucleotide position 2429. The glutamic acid at codon 810 is replaced by glycine, an amino acid with similar properties. This variant alters a conserved residue in the calcium-binding consensus sequence of a cbEGF domain and is expected to disrupt FBN1 function (Handford PA et al. Nature. 1991; 351(6322):164-7). This amino acid position is highly conserved in available vertebrate species. In addition, this alteration is predicted to be deleterious by in silico analysis. Since supporting evidence is limited at this time, the clinical significance of this alteration remains unclear.